The following is an entry in ClinVar:

NM_021930.6(RINT1):c.196A>G (p.Asn66Asp)

Gene: RINT1 (RAD50 interactor 1; plus strand). Cytogenetic location: 7q22.3.
Variant type: single nucleotide variant.
Coding change: c.196A>G on transcript NM_021930.6 (MANE Select); coding-DNA position 196, A replaced by G.
Protein change: p.Asn66Asp; replaces asparagine 66 with aspartic acid.
Molecular consequence: missense variant. On other transcripts: 5 prime UTR variant (3), non-coding transcript variant (1), intron variant (1).
Genome position (GRCh38, 1-based): chr7:105,536,672, A>G. VCF-style: chr7-105536672-A-G. GRCh37 (hg19) VCF-style: chr7-105177119-A-G.
Other names: c.-824A>G (NM_001346600.2); c.-727A>G (NM_001346601.2); c.-347A>G (NM_001346603.2); c.39+60A>G (NM_001346599.2); short protein forms N66D.
Identifiers: ClinVar variation 1783576 (VCV001783576.3), dbSNP rs1031748446, ClinGen allele CA164046985.

ClinVar aggregate classification (germline): Uncertain significance (1 of 4 stars; one submission).

Allele frequency attached by ClinVar (database versions not stated): gnomAD exomes below 0.00001; TOPMed below 0.00001; gnomAD 0.00001.
gnomAD v4.1: 3 of 1,612,950 alleles (0.00019%); highest among the groups gnomAD compares: Non-Finnish European, 0.00025%; no homozygotes.

Submission:

Ambry Genetics
Classification: Uncertain significance. Last evaluated: 2024-11-20. Review status: criteria provided, single submitter. Criteria: Ambry Variant Classification Scheme 2023. Collection method: clinical testing. Allele origin: germline.
Comment: The p.N66D variant (also known as c.196A>G), located in coding exon 3 of the RINT1 gene, results from an A to G substitution at nucleotide position 196. The asparagine at codon 66 is replaced by aspartic acid, an amino acid with highly similar properties. This amino acid position is conserved. In addition, this alteration is predicted to be tolerated by in silico analysis. Since supporting evidence is limited at this time, the clinical significance of this alteration remains unclear.